The following is an entry in ClinVar:

NM_032520.5(GNPTG):c.511C>T (p.Pro171Ser)

Gene: GNPTG (N-acetylglucosamine-1-phosphate transferase subunit gamma; plus strand). Cytogenetic location: 16p13.3.
Variant type: single nucleotide variant.
Coding change: c.511C>T on transcript NM_032520.5 (MANE Select); coding-DNA position 511, C replaced by T.
Protein change: p.Pro171Ser; replaces proline 171 with serine.
Molecular consequence: missense variant.
Genome position (GRCh38, 1-based): chr16:1,362,305, C>T. VCF-style: chr16-1362305-C-T. GRCh37 (hg19) VCF-style: chr16-1412306-C-T.
Other names: short protein forms P171S.
Identifiers: ClinVar variation 2364614 (VCV002364614.5), dbSNP rs2034908897, ClinGen allele CA394187936.

ClinVar aggregate classification (germline): Uncertain significance. Review status: criteria provided, multiple submitters, no conflicts (2 of 4 stars). 2 submissions from 2 submitters: Uncertain significance (2). Last evaluated 2026-01-12.

Conditions:
Inborn genetic diseases. Identifiers: MedGen C0950123, MeSH D030342.

Allele frequency attached by ClinVar (database versions not stated): TOPMed below 0.00001.

Submissions (2):

Labcorp Genetics (formerly Invitae), Labcorp
Classification: Uncertain significance. Last evaluated: 2026-01-12. Review status: criteria provided, single submitter. Criteria: Invitae Variant Classification Sherloc (09022015). Collection method: clinical testing. Allele origin: germline.
Comment: This sequence change replaces proline, which is neutral and non-polar, with serine, which is neutral and polar, at codon 171 of the GNPTG protein (p.Pro171Ser). This variant is not present in population databases (gnomAD no frequency). This variant has not been reported in the literature in individuals affected with GNPTG-related conditions. ClinVar contains an entry for this variant (Variation ID: 2364614). Invitae Evidence Modeling of protein sequence and biophysical properties (such as structural, functional, and spatial information, amino acid conservation, physicochemical variation, residue mobility, and thermodynamic stability) indicates that this missense variant is not expected to disrupt GNPTG protein function with a negative predictive value of 80%. In summary, the available evidence is currently insufficient to determine the role of this variant in disease. Therefore, it has been classified as a Variant of Uncertain Significance.

Ambry Genetics
Classification: Uncertain significance for Inborn genetic diseases. Last evaluated: 2022-08-03. Review status: criteria provided, single submitter. Criteria: Ambry Variant Classification Scheme 2023. Collection method: clinical testing. Allele origin: germline.